The following is an entry in ClinVar:

NM_001012614.2(CTBP1):c.-221G>C

Genes: CTBP1 (C-terminal binding protein 1; minus strand), LOC129991984 (ATAC-STARR-seq lymphoblastoid silent region 15125; plus strand). Cytogenetic location: 4p16.3.
Variant type: single nucleotide variant.
Coding change: c.-221G>C on transcript NM_001012614.2 (MANE Select); 221 bases upstream of the start codon, G replaced by C.
Molecular consequence: 5 prime UTR variant. On other transcripts: missense variant (2), intron variant (4).
Genome position (GRCh38, 1-based): chr4:1,248,948, C>G on the plus strand (G>C on the coding strand, the complement: CTBP1 is on the minus strand). VCF-style: chr4-1248948-C-G. GRCh37 (hg19) VCF-style: chr4-1242736-C-G.
Other names: c.8G>C, p.Ser3Thr (NM_001328.3, NM_001377186.1); c.-221G>C (NM_001377187.1); c.-189+1212G>C (NM_001377192.1, NM_001377189.1); c.-189+701G>C (NM_001377193.1, NM_001377190.1); short protein forms S3T.
Identifiers: ClinVar variation 1314867 (VCV001314867.2), dbSNP rs2108816796, ClinGen allele CA355964137.
Genomic context (GRCh38, chr4:1,248,948, plus strand): 5'-CCGGAAACGCGCGCGCGCGCGGCCTTACCAAGCGGCAGGCCCTTGTTGAGCAAGTGCGAG[C>G]TGCCCATCGAGAGGCGCGAGCGGCCGCGGGCCCCGACCACTCCGGCGCGCTGCGCCGCCG-3'

ClinVar aggregate classification (germline): Uncertain significance (1 of 4 stars; one submission).

Submission:

GeneDx
Classification: Uncertain significance. Last evaluated: 2021-04-23. Review status: criteria provided, single submitter. Criteria: GeneDx Variant Classification Process June 2021. Collection method: clinical testing. Allele origin: germline. Affected: yes.
Comment: Not observed in large population cohorts (Lek et al., 2016); In silico analysis supports that this missense variant does not alter protein structure/function; Has not been previously published as pathogenic or benign to our knowledge